The following is an entry in ClinVar:

ClinVar aggregate classification (germline): Uncertain significance (1 of 4 stars; one submission).

Conditions:
Hereditary cancer-predisposing syndrome. Also called: Neoplastic Syndromes, Hereditary; Tumor predisposition; Hereditary Cancer Syndrome; Hereditary neoplastic syndrome. Identifiers: Orphanet 140162, MedGen C0027672, MeSH D009386, MONDO:0015356.

Submission:

Ambry Genetics
Classification: Uncertain significance for Hereditary cancer-predisposing syndrome. Last evaluated: 2025-12-12. Review status: criteria provided, single submitter. Criteria: Ambry Variant Classification Scheme 2023. Collection method: clinical testing. Allele origin: germline.
Comment: The p.R128P variant (also known as c.383G>C), located in coding exon 3 of the NTHL1 gene, results from a G to C substitution at nucleotide position 383. The arginine at codon 128 is replaced by proline, an amino acid with dissimilar properties. This amino acid position is conserved. In addition, the in silico prediction for this alteration is inconclusive. Based on the available evidence, the clinical significance of this variant remains unclear.

NM_002528.7(NTHL1):c.359G>C (p.Arg120Pro)

Gene: NTHL1 (nth like DNA glycosylase 1; minus strand). Cytogenetic location: 16p13.3.
Variant type: single nucleotide variant.
Coding change: c.359G>C on transcript NM_002528.7 (MANE Select); coding-DNA position 359, G replaced by C.
Protein change: p.Arg120Pro; replaces arginine 120 with proline.
Molecular consequence: missense variant. On other transcripts: intron variant (1).
Genome position (GRCh38, 1-based): chr16:2,044,796, C>G on the plus strand (G>C on the coding strand, the complement: NTHL1 is on the minus strand). VCF-style: chr16-2044796-C-G. GRCh37 (hg19) VCF-style: chr16-2094797-C-G.
Other names: c.29G>C, p.Arg10Pro (NM_001318194.2); c.355-1070G>C (NM_001318193.2); short protein forms R10P, R120P.
Identifiers: ClinVar variation 4662051 (VCV004662051.1).